The following is an entry in ClinVar:

ClinVar aggregate classification (germline): Conflicting classifications of pathogenicity. Review status: criteria provided, conflicting classifications (1 of 4 stars). 2 submissions from 2 submitters: Uncertain significance (1); Likely benign (1). Last evaluated 2025-03-04.

Submissions (2):

Center for Genomic Medicine, Rigshospitalet, Copenhagen University Hospital
Classification: Likely benign. Last evaluated: 2025-03-04. Review status: criteria provided, single submitter. Criteria: ACMG Guidelines, 2015. Collection method: clinical testing. Allele origin: germline.

Quest Diagnostics Nichols Institute San Juan Capistrano
Classification: Uncertain significance. Last evaluated: 2022-09-30. Review status: criteria provided, single submitter. Criteria: Quest Diagnostics criteria. Collection method: clinical testing. Allele origin: unknown.
Comment: This variant has not been reported in the published literature. It also has not been reported in large, multi-ethnic general populations. Analysis of this variant using software algorithms for the prediction of the effect of nucleotide changes on splicing yielded predictions that this variant does not affect BRCA1 mRNA splicing . Based on the available information, we are unable to determine the clinical significance of this variant.

NM_007294.4(BRCA1):c.3489T>C (p.Thr1163=)

Genes: BRCA1 (BRCA1 DNA repair associated; minus strand), LOC126862571 (BRD4-independent group 4 enhancer GRCh37_chr17:41243136-41244335; plus strand). Cytogenetic location: 17q21.31.
Variant type: single nucleotide variant.
Coding change: c.3489T>C on transcript NM_007294.4 (MANE Select); coding-DNA position 3489, T replaced by C.
Protein change: p.Thr1163=; no amino-acid change (threonine 1163 retained).
Molecular consequence: synonymous variant. On other transcripts: intron variant (135).
Genome position (GRCh38, 1-based): chr17:43,092,042, A>G on the plus strand (T>C on the coding strand, the complement: BRCA1 is on the minus strand). VCF-style: chr17-43092042-A-G. GRCh37 (hg19) VCF-style: chr17-41244059-A-G.
Other names: c.3276T>C, p.Thr1092= (NM_001407571.1, NM_001407853.1, NM_001407894.1 and 9 more transcripts); c.3489T>C, p.Thr1163= (NM_001407581.1, NM_001407582.1, NM_001407583.1 and 30 more transcripts); c.3486T>C, p.Thr1162= (NM_001407587.1, NM_001407590.1, NM_001407591.1 and 22 more transcripts); c.3480T>C, p.Thr1160= (NM_001407646.1, NM_001407647.1); c.3366T>C, p.Thr1122= (NM_001407648.1, NM_001407664.1, NM_001407665.1 and 19 more transcripts); c.3363T>C, p.Thr1121= (NM_001407649.1, NM_001407670.1, NM_001407671.1 and 11 more transcripts); c.3411T>C, p.Thr1137= (NM_001407653.1, NM_001407654.1, NM_001407655.1 and 4 more transcripts); c.3408T>C, p.Thr1136= (NM_001407659.1, NM_001407660.1, NM_001407661.1 and 1 more transcripts); and 41 more.
Identifiers: ClinVar variation 2681809 (VCV002681809.3), dbSNP rs2154309544, ClinGen allele CA500232084.
Genomic context (GRCh38, chr17:43,092,042, plus strand): 5'-TTTCTGGACGCTTTTGCTAAAAACAGCAGAACTTTCCTTAATGTCATTTTCAGCAAAACT[A>G]GTATCTTCCTTTATTTCACCATCATCTAACAGGTCATCAGGTGTCTCAGAACAAACCTGA-3'
Protein context (NP_009225.1, residues 1153-1173): LLDDGEIKED[Thr1163=]SFAENDIKES